The following is an entry in ClinVar:

ClinVar aggregate classification (germline): Uncertain significance (1 of 4 stars; one submission).

Allele frequency attached by ClinVar (database versions not stated): gnomAD exomes 0.00001.
gnomAD v4.1: 10 of 1,297,898 alleles (0.00077%); highest among the groups gnomAD compares: Non-Finnish European, 0.00091%; no homozygotes.

Submission:

Labcorp Genetics (formerly Invitae), Labcorp
Classification: Uncertain significance. Last evaluated: 2021-09-03. Review status: criteria provided, single submitter. Criteria: Invitae Variant Classification Sherloc (09022015). Collection method: clinical testing. Allele origin: germline.
Comment: In summary, the available evidence is currently insufficient to determine the role of this variant in disease. Therefore, it has been classified as a Variant of Uncertain Significance. Algorithms developed to predict the effect of sequence changes on RNA splicing suggest that this variant may create or strengthen a splice site. Algorithms developed to predict the effect of missense changes on protein structure and function are either unavailable or do not agree on the potential impact of this missense change (SIFT: "Tolerated"; PolyPhen-2: "Not Available"; Align-GVGD: "Class C0"). This variant has not been reported in the literature in individuals affected with ERCC6L2-related conditions. The frequency data for this variant in the population databases is considered unreliable, as metrics indicate insufficient coverage at this position in the ExAC database. This sequence change replaces lysine with glutamic acid at codon 858 of the ERCC6L2 protein (p.Lys858Glu). The lysine residue is weakly conserved and there is a small physicochemical difference between lysine and glutamic acid.

NM_020207.7(ERCC6L2):c.2539A>G (p.Lys847Glu)

Gene: ERCC6L2 (ERCC excision repair 6 like 2; plus strand). Cytogenetic location: 9q22.32.
Variant type: single nucleotide variant.
Coding change: c.2539A>G on transcript NM_020207.7 (MANE Select); coding-DNA position 2539, A replaced by G.
Protein change: p.Lys847Glu; replaces lysine 847 with glutamic acid.
Molecular consequence: missense variant. On other transcripts: non-coding transcript variant (1).
Genome position (GRCh38, 1-based): chr9:95,972,290, A>G. VCF-style: chr9-95972290-A-G. GRCh37 (hg19) VCF-style: chr9-98734572-A-G.
Other names: c.2539A>G, p.Lys847Glu (NM_001375291.1, NM_001375292.1, NM_001375293.1 and 1 more transcripts); short protein forms K847E.
Identifiers: ClinVar variation 1482947 (VCV001482947.6), dbSNP rs1234288711, ClinGen allele CA589285354.
Genomic context (GRCh38, chr9:95,972,290, plus strand): 5'-CTTTCAACAGAAGCCAAAGATGCTGGTTGTGAGAAAAATCAGGACTCTCTTGGTACTTCA[A>G]AACATCAGAAATTAGATAACATCCTAAATCCAAAAGAAAAGCATATTTTTTATAAAAGTG-3'
Protein context (NP_064592.3, residues 837-857): EKNQDSLGTS[Lys847Glu]HQKLDNILNP